The following is an entry in ClinVar:

ClinVar aggregate classification (germline): Pathogenic/Likely pathogenic. Review status: criteria provided, multiple submitters, no conflicts (2 of 4 stars). 2 submissions from 2 submitters: Pathogenic (1); Likely pathogenic (1). Last evaluated 2025-03-26.

Conditions:
Familial infantile myasthenia (CMS6). Also called: MYASTHENIC SYNDROME, PRESYNAPTIC, CONGENITAL, ASSOCIATED WITH EPISODIC APNEA; MYASTHENIC SYNDROME, CONGENITAL, 6, PRESYNAPTIC; Congenital myasthenic syndrome type 6. Identifiers: Orphanet 590, MedGen C0393929, MONDO:0009689, OMIM 254210.

Allele frequency attached by ClinVar (database versions not stated): gnomAD exomes below 0.00001.
gnomAD v4.1: 2 of 1,614,072 alleles (0.00012%); highest among the groups gnomAD compares: Non-Finnish European, 0.00017%; no homozygotes.

Submissions (2):

GeneDx
Classification: Pathogenic. Last evaluated: 2025-03-26. Review status: criteria provided, single submitter. Criteria: GeneDx Variant Classification Process June 2021. Collection method: clinical testing. Allele origin: germline. Affected: yes.
Comment: Nonsense variant predicted to result in protein truncation or nonsense mediated decay in a gene for which loss-of-function is a known mechanism of disease; Not observed at significant frequency in large population cohorts (gnomAD); Has not been previously published as pathogenic or benign to our knowledge

Baylor Genetics
Classification: Likely pathogenic for Familial infantile myasthenia. Last evaluated: 2024-03-12. Review status: criteria provided, single submitter. Criteria: ACMG Guidelines, 2015. Collection method: clinical testing. Allele origin: unknown.

NM_020549.5(CHAT):c.1687C>T (p.Gln563Ter)

Gene: CHAT (choline O-acetyltransferase; plus strand). Cytogenetic location: 10q11.23.
Variant type: single nucleotide variant.
Coding change: c.1687C>T on transcript NM_020549.5 (MANE Select); coding-DNA position 1687, C replaced by T.
Protein change: p.Gln563Ter; replaces glutamine 563 with a stop codon.
Molecular consequence: nonsense.
Genome position (GRCh38, 1-based): chr10:49,655,147, C>T. VCF-style: chr10-49655147-C-T. GRCh37 (hg19) VCF-style: chr10-50863193-C-T.
Other names: c.1333C>T, p.Gln445Ter (NM_001142929.2, NM_001142934.2, NM_020984.4 and 2 more transcripts); c.1441C>T, p.Gln481Ter (NM_001142933.2); c.1687C>T (NM_020549.4); short protein forms Q445*, Q481*, Q563*.
Identifiers: ClinVar variation 3241151 (VCV003241151.2), dbSNP rs2538877767.